The following is an entry in ClinVar:

ClinVar aggregate classification (germline): Uncertain significance (1 of 4 stars; one submission).

Submission:

GeneDx
Classification: Uncertain significance. Last evaluated: 2022-11-11. Review status: criteria provided, single submitter. Criteria: GeneDx Variant Classification Process June 2021. Collection method: clinical testing. Allele origin: germline. Affected: yes.
Comment: In-frame insertion of 9 amino acids in a non-repeat region; Not observed at significant frequency in large population cohorts (gnomAD); Has not been previously published as pathogenic or benign to our knowledge

NM_000492.4(CFTR):c.3564_3590dup (p.Ser1196_His1197insGlnLysValMetIleIleGluAsnSer)

Genes: CFTR (CF transmembrane conductance regulator; plus strand), CFTR-AS2 (CFTR antisense RNA 2; minus strand). Cytogenetic location: 7q31.2.
Variant type: Duplication.
Coding change: c.3564_3590dup on transcript NM_000492.4 (MANE Select); coding-DNA positions 3564 to 3590, 27 bases duplicated (GAAAGTTATGATTATTGAGAATTCACA).
Protein change: p.Ser1196_His1197insGlnLysValMetIleIleGluAsnSer.
Molecular consequence: inframe insertion.
Genome position (GRCh38, 1-based): chr7:117,627,617-117,627,643, GAAAGTTATGATTATTGAGAATTCACA duplicated. VCF-style (leftmost placement, unchanged base first): chr7-117627616-C-CGAAAGTTATGATTATTGAGAATTCACA. GRCh37 (hg19) VCF-style: chr7-117267670-C-CGAAAGTTATGATTATTGAGAATTCACA.
Identifiers: ClinVar variation 2502050 (VCV002502050.1), dbSNP rs2485146294, ClinGen allele CA2580614244.